The following is an entry in ClinVar:

ClinVar aggregate classification (germline): Pathogenic. Review status: criteria provided, multiple submitters, no conflicts (2 of 4 stars). 6 submissions from 6 submitters: Pathogenic (3). 3 of the submissions do not count toward it. Last evaluated 2024-12-21.

Conditions:
Cornelia de Lange-like syndrome.
Developmental disorder. Identifiers: MedGen C0008073.
Intellectual disability-facial dysmorphism syndrome due to SETD5 haploinsufficiency (MRD23). Also called: Intellectual developmental disorder, autosomal dominant 23. Identifiers: Orphanet 404440, MedGen C3810406, MONDO:0014336, OMIM 615761.

Submissions (6):

GeneDx
Classification: Pathogenic. Last evaluated: 2024-12-21. Review status: criteria provided, single submitter. Criteria: GeneDx Variant Classification Process June 2021. Collection method: clinical testing. Allele origin: germline. Affected: yes.
Comment: Reported as a maternally inherited variant in association with intellectual disability in the published literature (PMID: 39603091, 33004838); Nonsense variant predicted to result in protein truncation or nonsense mediated decay in a gene for which loss of function is a known mechanism of disease; Not observed at significant frequency in large population cohorts (gnomAD); This variant is associated with the following publications: (PMID: 33144682, 39603091, 33004838)

Department of Genetics, Rouen University Hospital, Normandy Center for Genomic and Personalized Medicine
Classification: Pathogenic for Developmental disorder. Last evaluated: 2021-09-23. Review status: criteria provided, single submitter. Criteria: ACMG Guidelines, 2015. Collection method: clinical testing. Allele origin: de novo. Affected: yes.

Undiagnosed Diseases Network, NIH
Classification: Pathogenic for Intellectual disability-facial dysmorphism syndrome due to SETD5 haploinsufficiency. Last evaluated: 2021-08-03. Review status: criteria provided, single submitter. Criteria: ACMG Guidelines, 2015. Collection method: clinical testing. Allele origin: de novo. Inheritance: Autosomal dominant inheritance. Affected: yes. Observed: 1 variant allele, 1 heterozygote. Study: Undiagnosed Diseases Network (NIH), UDN.

Autoinflammatory diseases unit, CHU de Montpellier
Classification: Pathogenic for Cornelia de Lange-like syndrome. Last evaluated: 2018-07-03. Review status: no assertion criteria provided. Collection method: clinical testing. Allele origin: de novo. Affected: yes. Not counted in ClinVar's aggregate classification.

Diagnostic Laboratory, Department of Genetics, University Medical Center Groningen
Classification: Pathogenic. Review status: no assertion criteria provided. Collection method: clinical testing. Allele origin: germline. Affected: yes. Study: VKGL Data-share Consensus. Not counted in ClinVar's aggregate classification.

Joint Genome Diagnostic Labs from Nijmegen and Maastricht, Radboudumc and MUMC+
Classification: Pathogenic. Review status: no assertion criteria provided. Collection method: clinical testing. Allele origin: germline. Affected: yes. Study: VKGL Data-share Consensus. Not counted in ClinVar's aggregate classification.

NM_001080517.3(SETD5):c.2734C>T (p.Arg912Ter)

Gene: SETD5 (SET domain containing 5; plus strand). Cytogenetic location: 3p25.3.
Variant type: single nucleotide variant.
Coding change: c.2734C>T on transcript NM_001080517.3 (MANE Select); coding-DNA position 2734, C replaced by T.
Protein change: p.Arg912Ter; replaces arginine 912 with a stop codon.
Molecular consequence: nonsense.
Genome position (GRCh38, 1-based): chr3:9,470,468, C>T. VCF-style: chr3-9470468-C-T. GRCh37 (hg19) VCF-style: chr3-9512152-C-T.
Other names: p.R912*; c.2440C>T, p.Arg814Ter (NM_001292043.2, NM_001349451.2); short protein forms R814*, R912*.
Identifiers: ClinVar variation 981701 (VCV000981701.17), dbSNP rs2045177486, ClinGen allele CA351679906.